The following is an entry in ClinVar:

NM_005732.4(RAD50):c.3200T>C (p.Ile1067Thr)

Gene: RAD50 (RAD50 double strand break repair protein; plus strand). Cytogenetic location: 5q31.1.
Variant type: single nucleotide variant.
Coding change: c.3200T>C on transcript NM_005732.4 (MANE Select); coding-DNA position 3200, T replaced by C.
Protein change: p.Ile1067Thr; replaces isoleucine 1067 with threonine.
Molecular consequence: missense variant.
Genome position (GRCh38, 1-based): chr5:132,618,105, T>C. VCF-style: chr5-132618105-T-C. GRCh37 (hg19) VCF-style: chr5-131953797-T-C.
Other names: short protein forms I1067T.
Identifiers: ClinVar variation 840889 (VCV000840889.11), dbSNP rs1581009388, ClinGen allele CA360964310.

ClinVar aggregate classification (germline): Uncertain significance. Review status: criteria provided, multiple submitters, no conflicts (2 of 4 stars). 2 submissions from 2 submitters: Uncertain significance (2). Last evaluated 2024-02-26.

Conditions:
Hereditary cancer-predisposing syndrome. Also called: Hereditary Cancer Syndrome; Hereditary neoplastic syndrome; Tumor predisposition; Neoplastic Syndromes, Hereditary. Identifiers: Orphanet 140162, MedGen C0027672, MeSH D009386, MONDO:0015356.
Nijmegen breakage syndrome-like disorder (NBSLD). Also called: MICROCEPHALY AND SPONTANEOUS CHROMOSOME INSTABILITY WITHOUT IMMUNODEFICIENCY; NBS-LIKE DISORDER; RAD50 DEFICIENCY. Identifiers: Orphanet 240760, MedGen C2751318, MONDO:0013118, OMIM 613078.

Submissions (2):

Fulgent Genetics
Classification: Uncertain significance for Nijmegen breakage syndrome-like disorder. Last evaluated: 2024-02-26. Review status: criteria provided, single submitter. Criteria: ACMG Guidelines, 2015. Collection method: clinical testing. Allele origin: germline.

Labcorp Genetics (formerly Invitae), Labcorp
Classification: Uncertain significance for Hereditary cancer-predisposing syndrome. Last evaluated: 2023-07-07. Review status: criteria provided, single submitter. Criteria: Invitae Variant Classification Sherloc (09022015). Collection method: clinical testing. Allele origin: germline.
Comment: In summary, the available evidence is currently insufficient to determine the role of this variant in disease. Therefore, it has been classified as a Variant of Uncertain Significance. This sequence change replaces isoleucine, which is neutral and non-polar, with threonine, which is neutral and polar, at codon 1067 of the RAD50 protein (p.Ile1067Thr). This variant is not present in population databases (gnomAD no frequency). This variant has not been reported in the literature in individuals affected with RAD50-related conditions. ClinVar contains an entry for this variant (Variation ID: 840889). Advanced modeling of protein sequence and biophysical properties (such as structural, functional, and spatial information, amino acid conservation, physicochemical variation, residue mobility, and thermodynamic stability) performed at Invitae indicates that this missense variant is not expected to disrupt RAD50 protein function.